The following is an entry in ClinVar:

ClinVar aggregate classification (germline): Uncertain significance (1 of 4 stars; one submission).

gnomAD v4.1: 2 of 1,614,038 alleles (0.00012%); highest among the groups gnomAD compares: African/African-American, 0.0027%; no homozygotes.

Submission:

Labcorp Genetics (formerly Invitae), Labcorp
Classification: Uncertain significance. Last evaluated: 2025-11-13. Review status: criteria provided, single submitter. Criteria: Invitae Variant Classification Sherloc (09022015). Collection method: clinical testing. Allele origin: germline.
Comment: This sequence change affects codon 1638 of the SNRNP200 mRNA. It is a 'silent' change, meaning that it does not change the encoded amino acid sequence of the SNRNP200 protein. It affects a nucleotide within the consensus splice site. This variant is not present in population databases (gnomAD no frequency). This variant has not been reported in the literature in individuals affected with SNRNP200-related conditions. Algorithms developed to predict the effect of sequence changes on RNA splicing suggest that this variant is not likely to affect RNA splicing. In summary, the available evidence is currently insufficient to determine the role of this variant in disease. Therefore, it has been classified as a Variant of Uncertain Significance.

NM_014014.5(SNRNP200):c.4914A>T (p.Ser1638=)

Gene: SNRNP200 (small nuclear ribonucleoprotein U5 subunit 200; minus strand). Cytogenetic location: 2q11.2.
Variant type: single nucleotide variant.
Coding change: c.4914A>T on transcript NM_014014.5 (MANE Select); coding-DNA position 4914, A replaced by T.
Protein change: p.Ser1638=; no amino-acid change (serine 1638 retained).
Molecular consequence: synonymous variant.
Genome position (GRCh38, 1-based): chr2:96,283,202, T>A on the plus strand (A>T on the coding strand, the complement: SNRNP200 is on the minus strand). VCF-style: chr2-96283202-T-A. GRCh37 (hg19) VCF-style: chr2-96948940-T-A.
Identifiers: ClinVar variation 4777261 (VCV004777261.1).